The following is an entry in ClinVar:

ClinVar aggregate classification (germline): Uncertain significance. Review status: criteria provided, multiple submitters, no conflicts (2 of 4 stars). 2 submissions from 2 submitters: Uncertain significance (2). Last evaluated 2025-11-19.

Conditions:
CRYGD-related disorder. Also called: CRYGD-related condition.
Inborn genetic diseases. Identifiers: MedGen C0950123, MeSH D030342.

Allele frequency attached by ClinVar (database versions not stated): ExAC 0.00005; TOPMed 0.00005; gnomAD 0.00006; ESP Exome Variant Server 0.00015.
gnomAD v4.1: 175 of 1,612,190 alleles (0.011%); highest among the groups gnomAD compares: Non-Finnish European, 0.013%; no homozygotes.

Submissions (2):

PreventionGenetics, part of Exact Sciences
Classification: Uncertain significance for CRYGD-related condition. Last evaluated: 2025-11-19. Review status: criteria provided, single submitter. Criteria: ACMG Guidelines, 2015. Collection method: clinical testing. Allele origin: germline.
Comment: The CRYGD c.150C>A variant is predicted to result in the amino acid substitution p.Asn50Lys. To our knowledge, this variant has not been reported in the literature. This variant is reported in 0.010% of alleles in individuals of European (Non-Finnish) descent in gnomAD. At this time, the clinical significance of this variant is uncertain due to the absence of conclusive functional and genetic evidence.

Ambry Genetics
Classification: Uncertain significance for Inborn genetic diseases. Last evaluated: 2022-12-01. Review status: criteria provided, single submitter. Criteria: Ambry Variant Classification Scheme 2023. Collection method: clinical testing. Allele origin: germline.

NM_006891.4(CRYGD):c.150C>A (p.Asn50Lys)

Genes: CRYGD (crystallin gamma D; minus strand), LOC100507443 (uncharacterized LOC100507443; plus strand). Cytogenetic location: 2q33.3.
Variant type: single nucleotide variant.
Coding change: c.150C>A on transcript NM_006891.4 (MANE Select); coding-DNA position 150, C replaced by A.
Protein change: p.Asn50Lys; replaces asparagine 50 with lysine.
Molecular consequence: missense variant.
Genome position (GRCh38, 1-based): chr2:208,124,214, G>T on the plus strand (C>A on the coding strand, the complement: CRYGD is on the minus strand). VCF-style: chr2-208124214-G-T. GRCh37 (hg19) VCF-style: chr2-208988938-G-T.
Other names: short protein forms N50K.
Identifiers: ClinVar variation 2362501 (VCV002362501.3), dbSNP rs146108791, ClinGen allele CA2077724.